The following is an entry in ClinVar:

NM_005068.3(SIM1):c.2293G>A (p.Gly765Arg)

Gene: SIM1 (SIM bHLH transcription factor 1; minus strand). Cytogenetic location: 6q16.3.
Variant type: single nucleotide variant.
Coding change: c.2293G>A on transcript NM_005068.3 (MANE Select); coding-DNA position 2293, G replaced by A.
Protein change: p.Gly765Arg; replaces glycine 765 with arginine.
Molecular consequence: missense variant.
Genome position (GRCh38, 1-based): chr6:100,390,369, C>T on the plus strand (G>A on the coding strand, the complement: SIM1 is on the minus strand). VCF-style: chr6-100390369-C-T. GRCh37 (hg19) VCF-style: chr6-100838245-C-T.
Other names: c.2293G>A, p.Gly765Arg (NM_001374769.1); short protein forms G765R.
Identifiers: ClinVar variation 3358641 (VCV003358641.2).

ClinVar aggregate classification (germline): Uncertain significance (1 of 4 stars; one submission).

Conditions:
SIM1-related disorder. Also called: SIM1-related disorders; SIM1-related condition.

gnomAD v4.1: 16 of 1,610,752 alleles (0.00099%); highest among the groups gnomAD compares: East Asian, 0.0022%; no homozygotes.

Submission:

PreventionGenetics, part of Exact Sciences
Classification: Uncertain significance for SIM1-related condition. Last evaluated: 2026-03-12. Review status: criteria provided, single submitter. Criteria: ACMG Guidelines, 2015. Collection method: clinical testing. Allele origin: germline.
Comment: The SIM1 c.2293G>A variant is predicted to result in the amino acid substitution p.Gly765Arg. To our knowledge, this variant has not been reported in the literature. This variant is reported in 0.0055% of alleles in individuals of East Asian descent in gnomAD. At this time, the clinical significance of this variant is uncertain due to the absence of conclusive functional and genetic evidence.